The following is an entry in ClinVar:

NM_002968.3(SALL1):c.3928C>T (p.Arg1310Cys)

Gene: SALL1 (spalt like transcription factor 1; minus strand). Cytogenetic location: 16q12.1.
Variant type: single nucleotide variant.
Coding change: c.3928C>T on transcript NM_002968.3 (MANE Select); coding-DNA position 3928, C replaced by T.
Protein change: p.Arg1310Cys; replaces arginine 1310 with cysteine.
Molecular consequence: missense variant.
Genome position (GRCh38, 1-based): chr16:51,137,159, G>A on the plus strand (C>T on the coding strand, the complement: SALL1 is on the minus strand). VCF-style: chr16-51137159-G-A. GRCh37 (hg19) VCF-style: chr16-51171070-G-A.
Other names: c.3637C>T, p.Arg1213Cys (NM_001127892.2); short protein forms R1213C, R1310C.
Identifiers: ClinVar variation 2970483 (VCV002970483.3), dbSNP rs775499747, ClinGen allele CA8052806.
Genomic context (GRCh38, chr16:51,137,159, plus strand): 5'-AGCCCGAGCTGCTTTAACTCGTGACGATCTCCTTGCTGTCCTCCACGAAGCGGGTGAAGC[G>A]GAAGTTGGTTCCGTTCTCACTGCTTGCCATTTTCTCCAGGCCGGCCAGGGGAGCATTGGG-3'
Protein context (NP_002959.2, residues 1300-1320): MASSENGTNF[Arg1310Cys]FTRFVEDSKE

ClinVar aggregate classification (germline): Uncertain significance (1 of 4 stars; one submission).

Conditions:
Townes syndrome (TBS). Also called: Townes-Brocks syndrome. Identifiers: Orphanet 857, MedGen C0265246, MeSH C536974, MONDO:0007142.

Allele frequency attached by ClinVar (database versions not stated): ExAC 0.00001; gnomAD 0.00001; gnomAD exomes 0.00001.
gnomAD v4.1: 18 of 1,614,002 alleles (0.0011%); highest among the groups gnomAD compares: Admixed American, 0.02%; no homozygotes.

Submission:

Labcorp Genetics (formerly Invitae), Labcorp
Classification: Uncertain significance for Townes syndrome. Last evaluated: 2024-06-03. Review status: criteria provided, single submitter. Criteria: Invitae Variant Classification Sherloc (09022015). Collection method: clinical testing. Allele origin: germline.
Comment: This sequence change replaces arginine, which is basic and polar, with cysteine, which is neutral and slightly polar, at codon 1310 of the SALL1 protein (p.Arg1310Cys). This variant is present in population databases (rs775499747, gnomAD 0.03%). This variant has not been reported in the literature in individuals affected with SALL1-related conditions. An algorithm developed to predict the effect of missense changes on protein structure and function (PolyPhen-2) suggests that this variant is likely to be disruptive. In summary, the available evidence is currently insufficient to determine the role of this variant in disease. Therefore, it has been classified as a Variant of Uncertain Significance.